The following is an entry in ClinVar:

NM_000303.3(PMM2):c.581G>A (p.Arg194Gln)

Gene: PMM2 (phosphomannomutase 2; plus strand). Cytogenetic location: 16p13.2.
Variant type: single nucleotide variant.
Coding change: c.581G>A on transcript NM_000303.3 (MANE Select); coding-DNA position 581, G replaced by A.
Protein change: p.Arg194Gln; replaces arginine 194 with glutamine.
Molecular consequence: missense variant.
Genome position (GRCh38, 1-based): chr16:8,813,048, G>A. VCF-style: chr16-8813048-G-A. GRCh37 (hg19) VCF-style: chr16-8906905-G-A.
Other names: short protein forms R194Q.
Identifiers: ClinVar variation 1495376 (VCV001495376.7), dbSNP rs371629121, ClinGen allele CA7894140.
Genomic context (GRCh38, chr16:8,813,048, plus strand): 5'-CAGGAGGCCAGATCAGCTTTGATGTCTTTCCTGATGGATGGGACAAGAGATACTGTCTGC[G>A]ACATGTGGAAAATGACGGTTATAAGACCATTTATTTCTTTGGAGACAAAACTATGCCAGT-3'
Protein context (NP_000294.1, residues 184-204): PDGWDKRYCL[Arg194Gln]HVENDGYKTI

ClinVar aggregate classification (germline): Uncertain significance. Review status: criteria provided, multiple submitters, no conflicts (2 of 4 stars). 2 submissions from 2 submitters: Uncertain significance (2). Last evaluated 2024-04-15.

Conditions:
PMM2-congenital disorder of glycosylation. Also called: PMM2-CDG; CARBOHYDRATE-DEFICIENT GLYCOPROTEIN SYNDROME, TYPE Ia; PHOSPHOMANNOMUTASE 2 DEFICIENCY; CDG Ia; JAEKEN SYNDROME; Congenital disorder of glycosylation, type Ia. Identifiers: Orphanet 79318, MedGen C0349653, MONDO:0008907, OMIM 212065.

Allele frequency attached by ClinVar (database versions not stated): ExAC 0.00001; gnomAD exomes 0.00002; gnomAD 0.00003 and 0.00004; TOPMed 0.00005; ESP Exome Variant Server 0.00008.

Submissions (2):

Fulgent Genetics
Classification: Uncertain significance for PMM2-congenital disorder of glycosylation. Last evaluated: 2024-04-15. Review status: criteria provided, single submitter. Criteria: ACMG Guidelines, 2015. Collection method: clinical testing. Allele origin: germline.

Labcorp Genetics (formerly Invitae), Labcorp
Classification: Uncertain significance for PMM2-congenital disorder of glycosylation. Last evaluated: 2022-09-27. Review status: criteria provided, single submitter. Criteria: Invitae Variant Classification Sherloc (09022015). Collection method: clinical testing. Allele origin: germline.
Comment: This sequence change replaces arginine, which is basic and polar, with glutamine, which is neutral and polar, at codon 194 of the PMM2 protein (p.Arg194Gln). This variant is present in population databases (rs371629121, gnomAD 0.007%). This variant has not been reported in the literature in individuals affected with PMM2-related conditions. ClinVar contains an entry for this variant (Variation ID: 1495376). Algorithms developed to predict the effect of missense changes on protein structure and function (SIFT, PolyPhen-2, Align-GVGD) all suggest that this variant is likely to be tolerated. In summary, the available evidence is currently insufficient to determine the role of this variant in disease. Therefore, it has been classified as a Variant of Uncertain Significance.